The following is an entry in ClinVar:

NM_025114.4(CEP290):c.7155A>G (p.Ile2385Met)

Gene: CEP290 (centrosomal protein 290; minus strand). Cytogenetic location: 12q21.32.
Variant type: single nucleotide variant.
Coding change: c.7155A>G on transcript NM_025114.4 (MANE Select); coding-DNA position 7155, A replaced by G.
Protein change: p.Ile2385Met; replaces isoleucine 2385 with methionine.
Molecular consequence: missense variant.
Genome position (GRCh38, 1-based): chr12:88,050,408, T>C on the plus strand (A>G on the coding strand, the complement: CEP290 is on the minus strand). VCF-style: chr12-88050408-T-C. GRCh37 (hg19) VCF-style: chr12-88444185-T-C.
Other names: short protein forms I2385M.
Identifiers: ClinVar variation 964754 (VCV000964754.11), dbSNP rs770168358, ClinGen allele CA6711337.

ClinVar aggregate classification (germline): Uncertain significance. Review status: criteria provided, multiple submitters, no conflicts (2 of 4 stars). 4 submissions from 4 submitters: Uncertain significance (3). 1 of the submissions does not count toward it. Last evaluated 2026-04-24.

Conditions:
Leber congenital amaurosis (LCA). Also called: Leber's amaurosis. Identifiers: Orphanet 65, MedGen C0339527, MeSH D057130, MONDO:0018998.
CEP290-related disorder. Also called: CEP290-related condition; CEP290-related disorders. Identifiers: MedGen CN239314.
Nephronophthisis. Also called: Juvenile Nephronophthisis. Identifiers: Orphanet 655, MedGen C0687120, MONDO:0019005, HP:0000090.
Meckel-Gruber syndrome. Also called: GRUBER SYNDROME; Dysencephalia splachnocystica; DYSENCEPHALIA SPLANCHNOCYSTICA. Identifiers: Orphanet 564, MedGen C0265215, MONDO:0018921.
Joubert syndrome. Also called: Familial aplasia of the vermis; JOUBERT-BOLTSHAUSER SYNDROME. Identifiers: Orphanet 475, MedGen C5979921, MONDO:0018772.

Allele frequency attached by ClinVar (database versions not stated): gnomAD exomes below 0.00001 and 0.00001; ExAC 0.00002; TOPMed 0.00002.
gnomAD v4.1: 6 of 1,562,230 alleles (0.00038%); highest among the groups gnomAD compares: Non-Finnish European, 0.00044%; no homozygotes.

Submissions (4):

PreventionGenetics, part of Exact Sciences
Classification: Uncertain significance for CEP290-related condition. Last evaluated: 2026-04-24. Review status: criteria provided, single submitter. Criteria: ACMG Guidelines, 2015. Collection method: clinical testing. Allele origin: germline.
Comment: The CEP290 c.7155A>G variant is predicted to result in the amino acid substitution p.Ile2385Met. To our knowledge, this variant has not been reported in the literature. This variant is reported in 0.0018% of alleles in individuals of European (Non-Finnish) descent in gnomAD. At this time, the clinical significance of this variant is uncertain due to the absence of conclusive functional and genetic evidence.

Labcorp Genetics (formerly Invitae), Labcorp
Classification: Uncertain significance for Joubert syndrome; Meckel-Gruber syndrome; Nephronophthisis. Last evaluated: 2025-02-03. Review status: criteria provided, single submitter. Criteria: Invitae Variant Classification Sherloc (09022015). Collection method: clinical testing. Allele origin: germline.
Comment: This sequence change replaces isoleucine, which is neutral and non-polar, with methionine, which is neutral and non-polar, at codon 2385 of the CEP290 protein (p.Ile2385Met). This variant is present in population databases (rs770168358, gnomAD 0.002%). This variant has not been reported in the literature in individuals affected with CEP290-related conditions. ClinVar contains an entry for this variant (Variation ID: 964754). An algorithm developed to predict the effect of missense changes on protein structure and function (PolyPhen-2) suggests that this variant¬¨‚Ä†is likely to be tolerated. In summary, the available evidence is currently insufficient to determine the role of this variant in disease. Therefore, it has been classified as a Variant of Uncertain Significance.

GeneDx
Classification: Uncertain significance. Last evaluated: 2024-06-07. Review status: criteria provided, single submitter. Criteria: GeneDx Variant Classification Process June 2021. Collection method: clinical testing. Allele origin: germline. Affected: yes.
Comment: Not observed at significant frequency in large population cohorts (gnomAD); In silico analysis indicates that this missense variant does not alter protein structure/function; Has not been previously published as pathogenic or benign to our knowledge

Natera, Inc.
Classification: Uncertain significance for Leber congenital amaurosis. Last evaluated: 2020-01-17. Review status: no assertion criteria provided. Collection method: clinical testing. Allele origin: germline. Not counted in ClinVar's aggregate classification.